The following is an entry in ClinVar:

ClinVar aggregate classification (germline): Likely benign. Review status: criteria provided, multiple submitters, no conflicts (2 of 4 stars). 2 submissions from 2 submitters: Likely benign (2). Last evaluated 2025-03-05.

Conditions:
FECH-related disorder. Also called: FECH-related condition.

Allele frequency attached by ClinVar (database versions not stated): gnomAD exomes 0.00001; ExAC 0.00003; gnomAD 0.00011; TOPMed 0.00012; 1000 Genomes Project 30x 0.00016; 1000 Genomes Project 0.00020; ESP Exome Variant Server 0.00038.
gnomAD v4.1: 35 of 1,614,064 alleles (0.0022%); highest among the groups gnomAD compares: African/African-American, 0.045%; no homozygotes.

Submissions (2):

PreventionGenetics, part of Exact Sciences
Classification: Likely benign for FECH-related condition. Last evaluated: 2025-03-05. Review status: criteria provided, single submitter. Criteria: ACMG Guidelines, 2015. Collection method: clinical testing. Allele origin: germline.
Comment: This variant is classified as likely benign based on ACMG/AMP sequence variant interpretation guidelines (Richards et al. 2015 PMID: 25741868, with internal and published modifications).

Labcorp Genetics (formerly Invitae), Labcorp
Classification: Likely benign. Last evaluated: 2022-08-19. Review status: criteria provided, single submitter. Criteria: Invitae Variant Classification Sherloc (09022015). Collection method: clinical testing. Allele origin: germline.

NM_000140.5(FECH):c.639G>T (p.Val213=)

Gene: FECH (ferrochelatase; minus strand). Cytogenetic location: 18q21.31.
Variant type: single nucleotide variant.
Coding change: c.639G>T on transcript NM_000140.5 (MANE Select); coding-DNA position 639, G replaced by T.
Protein change: p.Val213=; no amino-acid change (valine 213 retained).
Molecular consequence: synonymous variant.
Genome position (GRCh38, 1-based): chr18:57,562,940, C>A on the plus strand (G>T on the coding strand, the complement: FECH is on the minus strand). VCF-style: chr18-57562940-C-A. GRCh37 (hg19) VCF-style: chr18-55230172-C-A.
Other names: c.657G>T, p.Val219= (NM_001012515.4); c.639G>T, p.Val213= (NM_001371094.1, NM_001374778.1); c.423G>T, p.Val141= (NM_001371095.1); c.639G>T (NM_000140.3).
Identifiers: ClinVar variation 1980910 (VCV001980910.5), dbSNP rs150675412, ClinGen allele CA8973145.
Genomic context (GRCh38, chr18:57,562,940, plus strand): 5'-GAGGAGGTGATGTGTGGGCCACCTGTCAATAGTGCTCCACTTCATCGTGGGCTTCCGTCC[C>A]ACTTGATTATAGTATCTGTAAATGGCATTTAAGCTGCTGCCTGAAATATACAGAGACCAC-3'
Protein context (NP_000131.2, residues 203-223): LNAIYRYYNQ[Val213=]GRKPTMKWST